The following is an entry in ClinVar:

NM_001110556.2(FLNA):c.7432G>A (p.Glu2478Lys)

Gene: FLNA (filamin A; minus strand). Cytogenetic location: Xq28.
Variant type: single nucleotide variant.
Coding change: c.7432G>A on transcript NM_001110556.2 (MANE Select); coding-DNA position 7432, G replaced by A.
Protein change: p.Glu2478Lys; replaces glutamic acid 2478 with lysine.
Molecular consequence: missense variant.
Genome position (GRCh38, 1-based): chrX:154,349,769, C>T on the plus strand (G>A on the coding strand, the complement: FLNA is on the minus strand). VCF-style: chrX-154349769-C-T. GRCh37 (hg19) VCF-style: chrX-153578137-C-T.
Other names: c.7408G>A, p.Glu2470Lys (NM_001456.4); c.7408G>A (NM_001456.3); short protein forms E2478K, E2470K.
Identifiers: ClinVar variation 2929335 (VCV002929335.4), dbSNP rs1345049208, ClinGen allele CA415182398.
Genomic context (GRCh38, chrX:154,349,769, plus strand): 5'-AGATGAGGTAGCTGCCAGGTGCCATGGGGGTATAGGTGACGCGGTAGCCCTCAGGGCACT[C>T]CTGGCAATCCATCTTCACCTTGGAGGGGCCGTCAATGGTCACCGACAGGGCACCAGCTCC-3'
Protein context (NP_001104026.1, residues 2468-2488): GPSKVKMDCQ[Glu2478Lys]CPEGYRVTYT

ClinVar aggregate classification (germline): Uncertain significance. Review status: criteria provided, multiple submitters, no conflicts (2 of 4 stars). 2 submissions from 2 submitters: Uncertain significance (2). Last evaluated 2023-11-30.

Conditions:
Oto-palato-digital syndrome, type II (OPD2). Also called: Otopalatodigital Syndrome Type 2 (FLNA-OPD2); FACIOPALATOOSSEOUS SYNDROME; OPD II SYNDROME; Otopalatodigital Syndrome, Type II. Identifiers: Orphanet 669, Orphanet 90652, MedGen C1844696, MONDO:0010571, OMIM 304120.
Heterotopia, periventricular, X-linked dominant (PVNH1). Also called: PERIVENTRICULAR NODULAR HETEROTOPIA 1; X-linked periventricular heterotopia; PERIVENTRICULAR NODULAR HETEROTOPIA 4; HETEROTOPIA, PERIVENTRICULAR, 1. Identifiers: Orphanet 2149, Orphanet 82004, MedGen C1848213, MONDO:0010233, OMIM 300049.
Melnick-Needles syndrome (MNS). Also called: Melnick-Needles Syndrome (FLNA-MNS); MELNICK-NEEDLES OSTEODYSPLASTY; OSTEODYSPLASTY OF MELNICK AND NEEDLES. Identifiers: Orphanet 2484, MedGen C0025237, MONDO:0010650, OMIM 309350.
Frontometaphyseal dysplasia (FMD1). Identifiers: Orphanet 1826, MedGen C0265293, MONDO:0015942.

Allele frequency attached by ClinVar (database versions not stated): gnomAD 0.00001; TOPMed 0.00001.
gnomAD v4.1: 1 of 1,210,327 alleles (0.000083%); highest among the groups gnomAD compares: Non-Finnish European, 0.00011%; no homozygotes.

Submissions (2):

GeneDx
Classification: Uncertain significance. Last evaluated: 2023-11-30. Review status: criteria provided, single submitter. Criteria: GeneDx Variant Classification Process June 2021. Collection method: clinical testing. Allele origin: germline. Affected: yes.
Comment: Not observed at significant frequency in large population cohorts (gnomAD); In silico analysis supports that this missense variant has a deleterious effect on protein structure/function; Has not been previously published as pathogenic or benign to our knowledge

Labcorp Genetics (formerly Invitae), Labcorp
Classification: Uncertain significance for Oto-palato-digital syndrome, type II; Heterotopia, periventricular, X-linked dominant; Frontometaphyseal dysplasia; Melnick-Needles syndrome. Last evaluated: 2023-04-18. Review status: criteria provided, single submitter. Criteria: Invitae Variant Classification Sherloc (09022015). Collection method: clinical testing. Allele origin: germline.
Comment: In summary, the available evidence is currently insufficient to determine the role of this variant in disease. Therefore, it has been classified as a Variant of Uncertain Significance. Advanced modeling of protein sequence and biophysical properties (such as structural, functional, and spatial information, amino acid conservation, physicochemical variation, residue mobility, and thermodynamic stability) performed at Invitae indicates that this missense variant is not expected to disrupt FLNA protein function. This variant has not been reported in the literature in individuals affected with FLNA-related conditions. This variant is not present in population databases (gnomAD no frequency). This sequence change replaces glutamic acid, which is acidic and polar, with lysine, which is basic and polar, at codon 2470 of the FLNA protein (p.Glu2470Lys).